The following is an entry in ClinVar:

NM_000283.4(PDE6B):c.801C>A (p.Tyr267Ter)

Genes: PDE6B (phosphodiesterase 6B; plus strand), PDE6B-AS1 (PDE6B antisense RNA 1; minus strand). Cytogenetic location: 4p16.3.
Variant type: single nucleotide variant.
Coding change: c.801C>A on transcript NM_000283.4 (MANE Select); coding-DNA position 801, C replaced by A.
Protein change: p.Tyr267Ter; replaces tyrosine 267 with a stop codon.
Molecular consequence: nonsense. On other transcripts: 5 prime UTR variant (5).
Genome position (GRCh38, 1-based): chr4:653,941, C>A. VCF-style: chr4-653941-C-A. GRCh37 (hg19) VCF-style: chr4-647730-C-A.
Other names: c.801C>A, p.Tyr267Ter (NM_001145291.2); c.-37C>A (NM_001145292.2, NM_001350154.3, NM_001379246.1 and 1 more transcripts); c.-240C>A (NM_001350155.3); short protein forms Y267*.
Identifiers: ClinVar variation 2075435 (VCV002075435.5), dbSNP rs781375358, ClinGen allele CA2794124.

ClinVar aggregate classification (germline): Pathogenic/Likely pathogenic. Review status: criteria provided, multiple submitters, no conflicts (2 of 4 stars). 2 submissions from 2 submitters: Pathogenic (1); Likely pathogenic (1). Last evaluated 2023-02-27.

Conditions:
PDE6B-related disorder. Also called: PDE6B-related disorders; PDE6B-related disease; PDE6B-related condition.

Allele frequency attached by ClinVar (database versions not stated): TOPMed 0.00002.
gnomAD v4.1: 11 of 1,613,780 alleles (0.00068%); highest among the groups gnomAD compares: Non-Finnish European, 0.00085%; no homozygotes.

Submissions (2):

Labcorp Genetics (formerly Invitae), Labcorp
Classification: Pathogenic. Last evaluated: 2023-02-27. Review status: criteria provided, single submitter. Criteria: Invitae Variant Classification Sherloc (09022015). Collection method: clinical testing. Allele origin: germline.
Comment: This variant has not been reported in the literature in individuals affected with PDE6B-related conditions. This variant is present in population databases (rs781375358, gnomAD 0.006%). This sequence change creates a premature translational stop signal (p.Tyr267*) in the PDE6B gene. It is expected to result in an absent or disrupted protein product. Loss-of-function variants in PDE6B are known to be pathogenic (PMID: 8394174, 8595886, 22334370). ClinVar contains an entry for this variant (Variation ID: 2075435). For these reasons, this variant has been classified as Pathogenic.

Blueprint Genetics
Classification: Likely pathogenic for PDE6B-related disorders. Last evaluated: 2019-11-11. Review status: criteria provided, single submitter. Criteria: ACMG Guidelines, 2015. Collection method: clinical testing. Allele origin: germline. Affected: yes. Observed: 2 variant alleles.

Literature cited by the submitters: PubMed 8394174 (cited by Labcorp Genetics (formerly Invitae), Labcorp); PubMed 8595886 (cited by Labcorp Genetics (formerly Invitae), Labcorp); PubMed 22334370 (cited by Labcorp Genetics (formerly Invitae), Labcorp).